The following is an entry in ClinVar:

NM_003383.5(VLDLR):c.325C>T (p.His109Tyr)

Gene: VLDLR (very low density lipoprotein receptor; plus strand). Cytogenetic location: 9p24.2.
Variant type: single nucleotide variant.
Coding change: c.325C>T on transcript NM_003383.5 (MANE Select); coding-DNA position 325, C replaced by T.
Protein change: p.His109Tyr; replaces histidine 109 with tyrosine.
Molecular consequence: missense variant.
Genome position (GRCh38, 1-based): chr9:2,639,981, C>T. VCF-style: chr9-2639981-C-T. GRCh37 (hg19) VCF-style: chr9-2639981-C-T.
Other names: c.325C>T, p.His109Tyr (NM_001018056.3); c.325C>T, p.Arg109Cys (NM_001322225.2, NM_001322226.2); short protein forms R109C, H109Y.
Identifiers: ClinVar variation 2082853 (VCV002082853.1), dbSNP rs1008771346, ClinGen allele CA187951183.

ClinVar aggregate classification (germline): Uncertain significance (1 of 4 stars; one submission).

Allele frequency attached by ClinVar (database versions not stated): TOPMed below 0.00001; gnomAD exomes 0.00001.
gnomAD v4.1: 18 of 1,614,178 alleles (0.0011%); highest among the groups gnomAD compares: Middle Eastern, 0.033%; no homozygotes.

Submission:

Labcorp Genetics (formerly Invitae), Labcorp
Classification: Uncertain significance. Last evaluated: 2022-08-10. Review status: criteria provided, single submitter. Criteria: Invitae Variant Classification Sherloc (09022015). Collection method: clinical testing. Allele origin: germline.
Comment: This sequence change replaces histidine, which is basic and polar, with tyrosine, which is neutral and polar, at codon 109 of the VLDLR protein (p.His109Tyr). The frequency data for this variant in the population databases is considered unreliable, as metrics indicate poor data quality at this position in the gnomAD database. This variant has not been reported in the literature in individuals affected with VLDLR-related conditions. Algorithms developed to predict the effect of missense changes on protein structure and function output the following: SIFT: "Not Available"; PolyPhen-2: "Benign"; Align-GVGD: "Not Available". The tyrosine amino acid residue is found in multiple mammalian species, which suggests that this missense change does not adversely affect protein function. In summary, the available evidence is currently insufficient to determine the role of this variant in disease. Therefore, it has been classified as a Variant of Uncertain Significance.